The following is an entry in ClinVar:

NM_001040142.2(SCN2A):c.2978C>G (p.Ala993Gly)

Gene: SCN2A (sodium voltage-gated channel alpha subunit 2; plus strand). Cytogenetic location: 2q24.3.
Variant type: single nucleotide variant.
Coding change: c.2978C>G on transcript NM_001040142.2 (MANE Select); coding-DNA position 2978, C replaced by G.
Protein change: p.Ala993Gly; replaces alanine 993 with glycine.
Molecular consequence: missense variant.
Genome position (GRCh38, 1-based): chr2:165,354,250, C>G. VCF-style: chr2-165354250-C-G. GRCh37 (hg19) VCF-style: chr2-166210760-C-G.
Other names: c.2978C>G, p.Ala993Gly (NM_001040143.2, NM_001371246.1, NM_001371247.1 and 1 more transcripts); c.2978C>G (NM_021007.2); short protein forms A993G.
Identifiers: ClinVar variation 1474464 (VCV001474464.9), dbSNP rs2105336862, ClinGen allele CA349019550.
Genomic context (GRCh38, chr2:165,354,250, plus strand): 5'-AGGTTCTGAACCTCTTCTTGGCCTTGCTTTTGAGTTCCTTCAGTTCTGACAATCTTGCTG[C>G]CACTGATGATGATAACGAAATGAATAATCTCCAGATTGCTGTGGGAAGGATGCAGAAAGG-3'
Protein context (NP_001035232.1, residues 983-1003): LSSFSSDNLA[Ala993Gly]TDDDNEMNNL

ClinVar aggregate classification (germline): Uncertain significance. Review status: criteria provided, multiple submitters, no conflicts (2 of 4 stars). 2 submissions from 2 submitters: Uncertain significance (2). Last evaluated 2026-04-19.

Conditions:
Developmental and epileptic encephalopathy, 11 (DEE11). Also called: Early infantile epileptic encephalopathy 11. Identifiers: Orphanet 1934, MedGen C3150987, MONDO:0013388, OMIM 613721.
Seizures, benign familial infantile, 3 (BFIS3). Also called: Familial neonatal seizures; CONVULSIONS, BENIGN FAMILIAL INFANTILE, 3. Identifiers: Orphanet 140927, Orphanet 306, MedGen C1843140, MONDO:0011904, OMIM 607745.

gnomAD v4.1: 1 of 1,613,940 alleles (0.000062%); no homozygotes.

Submissions (2):

GeneDx
Classification: Uncertain significance. Last evaluated: 2026-04-19. Review status: criteria provided, single submitter. Criteria: GeneDx Variant Classification Process June 2021. Collection method: clinical testing. Allele origin: germline.
Comment: Has not been previously published as pathogenic or benign to our knowledge; This substitution is predicted to be in the cytoplasmic loop between the second and third homologous domains; Not observed at significant frequency in large population cohorts (gnomAD); In silico analysis supports that this missense variant has a deleterious effect on protein structure/function

Labcorp Genetics (formerly Invitae), Labcorp
Classification: Uncertain significance for Seizures, benign familial infantile, 3; Developmental and epileptic encephalopathy, 11. Last evaluated: 2024-10-15. Review status: criteria provided, single submitter. Criteria: Invitae Variant Classification Sherloc (09022015). Collection method: clinical testing. Allele origin: germline.
Comment: This sequence change replaces alanine, which is neutral and non-polar, with glycine, which is neutral and non-polar, at codon 993 of the SCN2A protein (p.Ala993Gly). This variant is not present in population databases (gnomAD no frequency). This variant has not been reported in the literature in individuals affected with SCN2A-related conditions. ClinVar contains an entry for this variant (Variation ID: 1474464). Invitae Evidence Modeling of protein sequence and biophysical properties (such as structural, functional, and spatial information, amino acid conservation, physicochemical variation, residue mobility, and thermodynamic stability) indicates that this missense variant is expected to disrupt SCN2A protein function with a positive predictive value of 95%. In summary, the available evidence is currently insufficient to determine the role of this variant in disease. Therefore, it has been classified as a Variant of Uncertain Significance.